The following is an entry in ClinVar:

NM_007286.6(SYNPO):c.1601G>A (p.Arg534Gln)

Gene: SYNPO (synaptopodin; plus strand). Cytogenetic location: 5q33.1.
Variant type: single nucleotide variant.
Coding change: c.1601G>A on transcript NM_007286.6 (MANE Select); coding-DNA position 1601, G replaced by A.
Protein change: p.Arg534Gln; replaces arginine 534 with glutamine.
Molecular consequence: missense variant.
Genome position (GRCh38, 1-based): chr5:150,649,876, G>A. VCF-style: chr5-150649876-G-A. GRCh37 (hg19) VCF-style: chr5-150029438-G-A.
Other names: c.1601G>A, p.Arg534Gln (NM_001109974.3); c.2333G>A, p.Arg778Gln (NM_001166208.2, NM_001166209.2); short protein forms R534Q, R778Q.
Identifiers: ClinVar variation 4759625 (VCV004759625.1).

ClinVar aggregate classification (germline): Uncertain significance (1 of 4 stars; one submission).

gnomAD v4.1: 11 of 1,609,250 alleles (0.00068%); highest among the groups gnomAD compares: African/African-American, 0.0067%; no homozygotes.

Submission:

Labcorp Genetics (formerly Invitae), Labcorp
Classification: Uncertain significance. Last evaluated: 2026-01-12. Review status: criteria provided, single submitter. Criteria: Invitae Variant Classification Sherloc (09022015). Collection method: clinical testing. Allele origin: germline.
Comment: This sequence change replaces arginine, which is basic and polar, with glutamine, which is neutral and polar, at codon 534 of the SYNPO protein (p.Arg534Gln). This variant is present in population databases (rs367672067, gnomAD 0.007%). This variant has not been reported in the literature in individuals affected with SYNPO-related conditions. An algorithm developed to predict the effect of missense changes on protein structure and function (PolyPhen-2) suggests that this variant is likely to be disruptive. In summary, the available evidence is currently insufficient to determine the role of this variant in disease. Therefore, it has been classified as a Variant of Uncertain Significance.